The following is an entry in ClinVar:

ClinVar aggregate classification (germline): Uncertain significance. Review status: criteria provided, multiple submitters, no conflicts (2 of 4 stars). 3 submissions from 3 submitters: Uncertain significance (2). 1 of the submissions does not count toward it. Last evaluated 2025-09-19.

Conditions:
Inborn genetic diseases. Identifiers: MedGen C0950123, MeSH D030342.
Glycogen storage disease IXd (GSD9D). Also called: GSD IXd; Muscle Phosphorylase Kinase Deficiency. Identifiers: Orphanet 715, MedGen C1845151, MONDO:0010362, OMIM 300559.
PHKA1-related disorder. Also called: PHKA1-related condition.

Allele frequency attached by ClinVar (database versions not stated): gnomAD 0.00006; TOPMed 0.00006.
gnomAD v4.1: 30 of 1,199,852 alleles (0.0025%); highest among the groups gnomAD compares: African/African-American, 0.0035%; no homozygotes.

Submissions (3):

Labcorp Genetics (formerly Invitae), Labcorp
Classification: Uncertain significance for Glycogen storage disease IXd. Last evaluated: 2025-09-19. Review status: criteria provided, single submitter. Criteria: Invitae Variant Classification Sherloc (09022015). Collection method: clinical testing. Allele origin: germline.
Comment: This sequence change replaces valine, which is neutral and non-polar, with leucine, which is neutral and non-polar, at codon 1075 of the PHKA1 protein (p.Val1075Leu). This variant is present in population databases (no rsID available, gnomAD 0.007%). This variant has not been reported in the literature in individuals affected with PHKA1-related conditions. ClinVar contains an entry for this variant (Variation ID: 2150487). An algorithm developed to predict the effect of missense changes on protein structure and function (PolyPhen-2) suggests that this variant is likely to be tolerated. In summary, the available evidence is currently insufficient to determine the role of this variant in disease. Therefore, it has been classified as a Variant of Uncertain Significance.

Ambry Genetics
Classification: Uncertain significance for Inborn genetic diseases. Last evaluated: 2025-05-20. Review status: criteria provided, single submitter. Criteria: Ambry Variant Classification Scheme 2023. Collection method: clinical testing. Allele origin: germline.

PreventionGenetics, part of Exact Sciences
Classification: Uncertain significance for PHKA1-related condition. Last evaluated: 2024-07-12. Review status: no assertion criteria provided. Collection method: clinical testing. Allele origin: germline. Not counted in ClinVar's aggregate classification.
Comment: The PHKA1 c.3223G>C variant is predicted to result in the amino acid substitution p.Val1075Leu. To our knowledge, this variant has not been reported in the literature. This variant is reported in 0.0065% of alleles in individuals of European (Non-Finnish) descent in gnomAD. At this time, the clinical significance of this variant is uncertain due to the absence of conclusive functional and genetic evidence.

NM_002637.4(PHKA1):c.3223G>C (p.Val1075Leu)

Gene: PHKA1 (phosphorylase kinase regulatory subunit alpha 1; minus strand). Cytogenetic location: Xq13.1.
Variant type: single nucleotide variant.
Coding change: c.3223G>C on transcript NM_002637.4 (MANE Select); coding-DNA position 3223, G replaced by C.
Protein change: p.Val1075Leu; replaces valine 1075 with leucine.
Molecular consequence: missense variant.
Genome position (GRCh38, 1-based): chrX:72,593,124, C>G on the plus strand (G>C on the coding strand, the complement: PHKA1 is on the minus strand). VCF-style: chrX-72593124-C-G. GRCh37 (hg19) VCF-style: chrX-71812974-C-G.
Other names: c.3223G>C (NM_002637.3); c.3184G>C, p.Val1062Leu (NM_001122670.2); c.3007G>C, p.Val1003Leu (NM_001172436.2); short protein forms V1075L, V1003L, V1062L.
Identifiers: ClinVar variation 2150487 (VCV002150487.6), dbSNP rs1168929718, ClinGen allele CA413584494.